The following is an entry in ClinVar:

ClinVar aggregate classification (germline): Uncertain significance (0 of 4 stars; one submission).

Conditions:
Visual impairment. Also called: Impaired vision; vision problems. Identifiers: MedGen C3665347, HP:0000505.

gnomAD v4.1: 133 of 151,882 alleles (0.088%); highest among the groups gnomAD compares: Non-Finnish European, 0.17%; no homozygotes.

Submission:

Joint Genome Diagnostic Labs from Nijmegen and Maastricht, Radboudumc and MUMC+
Classification: Uncertain significance for visual impairment. Review status: no assertion criteria provided. Collection method: clinical testing. Allele origin: germline. Affected: yes.
Comment: Found in trans with pathogenic monoallelic variant. Predicted effect on splicing not confirmed with minigene assay

NM_014249.4(NR2E3):c.1101-1088A>C

Gene: NR2E3 (nuclear receptor subfamily 2 group E member 3; plus strand). Cytogenetic location: 15q23.
Variant type: single nucleotide variant.
Coding change: c.1101-1088A>C on transcript NM_014249.4 (MANE Select); 1088 bases into the intron before coding-DNA position 1101, A replaced by C.
Molecular consequence: intron variant.
Genome position (GRCh38, 1-based): chr15:71,816,464, A>C. VCF-style: chr15-71816464-A-C. GRCh37 (hg19) VCF-style: chr15-72108805-A-C.
Identifiers: ClinVar variation 3338136 (VCV003338136.1).